The following is an entry in ClinVar:

ClinVar aggregate classification (germline): Pathogenic. Review status: criteria provided, multiple submitters, no conflicts (2 of 4 stars). 2 submissions from 2 submitters: Pathogenic (2). Last evaluated 2024-04-30.

Conditions:
Hypertrophic cardiomyopathy. Also called: HYPERTROPHIC MYOCARDIOPATHY. Identifiers: Orphanet 217569, MedGen C0007194, MeSH D002312, MONDO:0005045, HP:0001639.

Submissions (2):

Labcorp Genetics (formerly Invitae), Labcorp
Classification: Pathogenic for Hypertrophic cardiomyopathy. Last evaluated: 2024-04-30. Review status: criteria provided, single submitter. Criteria: Invitae Variant Classification Sherloc (09022015). Collection method: clinical testing. Allele origin: germline.
Comment: This sequence change creates a premature translational stop signal (p.His210Argfs*27) in the MYBPC3 gene. It is expected to result in an absent or disrupted protein product. Loss-of-function variants in MYBPC3 are known to be pathogenic (PMID: 19574547). This variant is not present in population databases (gnomAD no frequency). This variant has not been reported in the literature in individuals affected with MYBPC3-related conditions. ClinVar contains an entry for this variant (Variation ID: 430008). For these reasons, this variant has been classified as Pathogenic.

GeneDx
Classification: Pathogenic. Last evaluated: 2015-09-28. Review status: criteria provided, single submitter. Criteria: GeneDx Variant Classification (06012015). Collection method: clinical testing. Allele origin: germline. Affected: yes.
Comment: Although the c.627_637del11 variant in the MYBPC3 gene has not been reported to our knowledge, this pathogenic variant causes a shift in reading frame starting at codon Histidine 210, changing it to an Arginine, and creating a premature stop codon at position 27 of the new reading frame, denoted p.His210ArgfsX27. This pathogenic variant is expected to result in either an abnormal, truncated protein product or loss of protein from this allele through nonsense-mediated mRNA decay. Other frameshift variants in the MYBPC3 gene have been reported in HGMD in association with cardiomyopathy (Stenson et al., 2014). Furthermore, the c.627_637del11 variant was not observed in approximately 6,300 individuals of European and African American ancestry in the NHLBI Exome Sequencing Project, indicating it is not a common benign variant in these populations.In summary, c.627_637del11 in the MYBPC3 gene is interpreted as a pathogenic variant.

Literature cited by the submitters: PubMed 19574547 (cited by Labcorp Genetics (formerly Invitae), Labcorp).

NM_000256.3(MYBPC3):c.627_637del (p.His210fs)

Gene: MYBPC3 (myosin binding protein C3; minus strand). Cytogenetic location: 11p11.2.
Variant type: Deletion.
Coding change: c.627_637del on transcript NM_000256.3 (MANE Select); coding-DNA positions 627 to 637, 11 bases deleted (GCACGACAGCT).
Protein change: p.His210fs; shifts the reading frame from histidine 210.
Molecular consequence: frameshift variant.
Genome position (GRCh38, 1-based): chr11:47,349,791-47,349,801, AGCTGTCGTGC deleted on the plus strand (GCACGACAGCT on the coding strand, the reverse complement: MYBPC3 is on the minus strand); deleting any 11 consecutive bases within chr11:47,349,791-47,349,806 gives the same sequence; the c. name uses the placement nearest the transcript's 3' end. VCF-style (leftmost placement, unchanged base first): chr11-47349790-TAGCTGTCGTGC-T. GRCh37 (hg19) VCF-style: chr11-47371341-TAGCTGTCGTGC-T.
Other names: c.627_637del, p.His210fs (LRG_386t1); c.627_637delGCACGACAGCT (NM_000256.3); short protein forms H210fs.
Identifiers: ClinVar variation 430008 (VCV000430008.9), dbSNP rs1555123389, ClinGen allele CA645369517.